The following is an entry in ClinVar:

ClinVar aggregate classification (germline): Uncertain significance. Review status: criteria provided, multiple submitters, no conflicts (2 of 4 stars). 2 submissions from 2 submitters: Uncertain significance (2). Last evaluated 2025-08-12.

Conditions:
Cardiovascular phenotype. Identifiers: MedGen CN230736.

gnomAD v4.1: 1 of 1,609,356 alleles (0.000062%); highest among the groups gnomAD compares: Non-Finnish European, 0.000085%; no homozygotes.

Submissions (2):

Ambry Genetics
Classification: Uncertain significance for Cardiovascular phenotype. Last evaluated: 2025-08-12. Review status: criteria provided, single submitter. Criteria: Ambry Variant Classification Scheme 2023. Collection method: clinical testing. Allele origin: germline.
Comment: The p.E1103A variant (also known as c.3308A>C), located in coding exon 21 of the APOB gene, results from an A to C substitution at nucleotide position 3308. The glutamic acid at codon 1103 is replaced by alanine, an amino acid with dissimilar properties. This amino acid position is conserved. In addition, this alteration is predicted to be tolerated by in silico analysis. Based on the available evidence, the clinical significance of this variant remains unclear.

GeneDx
Classification: Uncertain significance. Last evaluated: 2025-06-05. Review status: criteria provided, single submitter. Criteria: GeneDx Variant Classification Process June 2021. Collection method: clinical testing. Allele origin: germline. Affected: yes.
Comment: Not observed at significant frequency in large population cohorts (gnomAD); In silico analysis supports that this missense variant has a deleterious effect on protein structure/function; Has not been previously published as pathogenic or benign to our knowledge; Also known as p.(E1076A)

NM_000384.3(APOB):c.3308A>C (p.Glu1103Ala)

Gene: APOB (apolipoprotein B; minus strand). Cytogenetic location: 2p24.1.
Variant type: single nucleotide variant.
Coding change: c.3308A>C on transcript NM_000384.3 (MANE Select); coding-DNA position 3308, A replaced by C.
Protein change: p.Glu1103Ala; replaces glutamic acid 1103 with alanine.
Molecular consequence: missense variant.
Genome position (GRCh38, 1-based): chr2:21,016,463, T>G on the plus strand (A>C on the coding strand, the complement: APOB is on the minus strand). VCF-style: chr2-21016463-T-G. GRCh37 (hg19) VCF-style: chr2-21239335-T-G.
Other names: short protein forms E1103A.
Identifiers: ClinVar variation 4124367 (VCV004124367.2).
Genomic context (GRCh38, chr2:21,016,463, plus strand): 5'-TGCAGTGCAGGTCAGATGACCCTCGGCCTTCTTTACCTTAGGTGGCCCATGAGGGCGACC[T>G]CAGTAATTTTCTTGTTCTGAATGTCCAGGGTGAGTCTGTAAGACGTTTTGCCCTCAGTAG-3'
Protein context (NP_000375.3, residues 1093-1113): TLDIQNKKIT[Glu1103Ala]VALMGHLSCD